The following is an entry in ClinVar:

ClinVar aggregate classification (germline): Uncertain significance (1 of 4 stars; one submission).

Conditions:
Autosomal recessive limb-girdle muscular dystrophy type 2D (LGMDR3). Also called: DUCHENNE-LIKE AUTOSOMAL RECESSIVE MUSCULAR DYSTROPHY, TYPE 2; MUSCULAR DYSTROPHY, LIMB-GIRDLE, AUTOSOMAL RECESSIVE 3; ADHALINOPATHY, PRIMARY. Identifiers: Orphanet 62, MedGen C2936332, MONDO:0011968, OMIM 608099. Disease mechanism: Affects gamma-sarcoglycan and also disrupts the integrity of the entire sarcoglycan complex..

Submission:

Labcorp Genetics (formerly Invitae), Labcorp
Classification: Uncertain significance for Autosomal recessive limb-girdle muscular dystrophy type 2D. Last evaluated: 2022-09-27. Review status: criteria provided, single submitter. Criteria: Invitae Variant Classification Sherloc (09022015). Collection method: clinical testing. Allele origin: germline.
Comment: In summary, the available evidence is currently insufficient to determine the role of this variant in disease. Therefore, it has been classified as a Variant of Uncertain Significance. Advanced modeling of protein sequence and biophysical properties (such as structural, functional, and spatial information, amino acid conservation, physicochemical variation, residue mobility, and thermodynamic stability) performed at Invitae indicates that this missense variant is expected to disrupt SGCA protein function. ClinVar contains an entry for this variant (Variation ID: 1007825). This variant has not been reported in the literature in individuals affected with SGCA-related conditions. This variant is not present in population databases (gnomAD no frequency). This sequence change replaces phenylalanine, which is neutral and non-polar, with valine, which is neutral and non-polar, at codon 36 of the SGCA protein (p.Phe36Val).

NM_000023.4(SGCA):c.106T>G (p.Phe36Val)

Gene: SGCA (sarcoglycan alpha; plus strand). Cytogenetic location: 17q21.33.
Variant type: single nucleotide variant.
Coding change: c.106T>G on transcript NM_000023.4 (MANE Select); coding-DNA position 106, T replaced by G.
Protein change: p.Phe36Val; replaces phenylalanine 36 with valine.
Molecular consequence: missense variant. On other transcripts: non-coding transcript variant (1).
Genome position (GRCh38, 1-based): chr17:50,167,436, T>G. VCF-style: chr17-50167436-T-G. GRCh37 (hg19) VCF-style: chr17-48244797-T-G.
Other names: c.106T>G, p.Phe36Val (NM_001135697.3); short protein forms F36V.
Identifiers: ClinVar variation 1007825 (VCV001007825.9), dbSNP rs1904989565, ClinGen allele CA400176672.